The following is an entry in ClinVar:

ClinVar aggregate classification (germline): Uncertain significance (1 of 4 stars; one submission).

Conditions:
Glycine encephalopathy. Also called: Non-ketotic hyperglycinemia; Nonketotic hyperglycinemia. Identifiers: Orphanet 407, MedGen C0751748, MONDO:0011612, HP:0008288.

Submission:

Labcorp Genetics (formerly Invitae), Labcorp
Classification: Uncertain significance for Non-ketotic hyperglycinemia. Last evaluated: 2017-12-19. Review status: criteria provided, single submitter. Criteria: Invitae Variant Classification Sherloc (09022015). Collection method: clinical testing. Allele origin: germline.
Comment: This variant is a gross duplication of the genomic region encompassing exons 1-3 of the GLDC gene. The 5' end of this event is unknown as it extends beyond the assayed region for this gene and therefore may encompass additional genes. The 3' boundary is likely confined to intron 3 of the GLDC gene. The exact location of this variant in the genome is unknown. This variant has not been reported in the literature in individuals with GLDC-related disease. In summary, the available evidence is currently insufficient to determine the role of this variant in disease. Therefore, it has been classified as a Variant of Uncertain Significance.

NC_000009.11:g.(?_6620184)_(6720997_?)dup

Genes: MAHAC (maintenance of histone H4K5 acetylation associated lncRNA; plus strand), GLDC (glycine decarboxylase; minus strand), KDM4C (lysine demethylase 4C; plus strand), LOC130001545 (ATAC-STARR-seq lymphoblastoid active region 28201; plus strand), LOC130001540 (ATAC-STARR-seq lymphoblastoid active region 28192; plus strand) and 7 more. Cytogenetic location: 9p24.1.
Variant type: Duplication.
Identifiers: ClinVar variation 583506 (VCV000583506.1).